The following is an entry in ClinVar:

ClinVar aggregate classification (germline): Uncertain significance (1 of 4 stars; one submission).

Submission:

Labcorp Genetics (formerly Invitae), Labcorp
Classification: Uncertain significance. Last evaluated: 2024-05-22. Review status: criteria provided, single submitter. Criteria: Invitae Variant Classification Sherloc (09022015). Collection method: clinical testing. Allele origin: germline.
Comment: This sequence change creates a premature translational stop signal (p.Gln369*) in the MYLK3 gene. It is expected to result in an absent or disrupted protein product. However, the current clinical and genetic evidence is not sufficient to establish whether loss-of-function variants in MYLK3 cause disease. This variant is not present in population databases (gnomAD no frequency). This variant has not been reported in the literature in individuals affected with MYLK3-related conditions. In summary, the available evidence is currently insufficient to determine the role of this variant in disease. Therefore, it has been classified as a Variant of Uncertain Significance.

NM_182493.3(MYLK3):c.1105C>T (p.Gln369Ter)

Gene: MYLK3 (myosin light chain kinase 3; minus strand). Cytogenetic location: 16q11.2.
Variant type: single nucleotide variant.
Coding change: c.1105C>T on transcript NM_182493.3 (MANE Select); coding-DNA position 1105, C replaced by T.
Protein change: p.Gln369Ter; replaces glutamine 369 with a stop codon.
Molecular consequence: nonsense.
Genome position (GRCh38, 1-based): chr16:46,732,565, G>A on the plus strand (C>T on the coding strand, the complement: MYLK3 is on the minus strand). VCF-style: chr16-46732565-G-A. GRCh37 (hg19) VCF-style: chr16-46766477-G-A.
Other names: c.82C>T, p.Gln28Ter (NM_001308301.1); short protein forms Q369*, Q28*.
Identifiers: ClinVar variation 2880161 (VCV002880161.3), dbSNP rs2548906091, ClinGen allele CA395792932.